The following is an entry in ClinVar:

NM_001128178.3(NPHP1):c.1435G>A (p.Gly479Ser)

Gene: NPHP1 (nephrocystin 1; minus strand). Cytogenetic location: 2q13.
Variant type: single nucleotide variant.
Coding change: c.1435G>A on transcript NM_001128178.3 (MANE Select); coding-DNA position 1435, G replaced by A.
Protein change: p.Gly479Ser; replaces glycine 479 with serine.
Molecular consequence: missense variant.
Genome position (GRCh38, 1-based): chr2:110,143,636, C>T on the plus strand (G>A on the coding strand, the complement: NPHP1 is on the minus strand). VCF-style: chr2-110143636-C-T. GRCh37 (hg19) VCF-style: chr2-110901213-C-T.
Other names: c.1603G>A, p.Gly535Ser (NM_000272.5); c.1246G>A, p.Gly416Ser (NM_001128179.3); c.1432G>A, p.Gly478Ser (NM_001374256.1); c.1435G>A, p.Gly479Ser (NM_001374257.1); c.1600G>A, p.Gly534Ser (NM_207181.4); c.1603G>A (NM_000272.3, NM_000272.4); short protein forms G534S, G416S, G535S, G479S, G478S.
Identifiers: ClinVar variation 1409419 (VCV001409419.6), dbSNP rs774251781, ClinGen allele CA1827006.

ClinVar aggregate classification (germline): Uncertain significance. Review status: criteria provided, multiple submitters, no conflicts (2 of 4 stars). 3 submissions from 3 submitters: Uncertain significance (2). 1 of the submissions does not count toward it. Last evaluated 2025-07-27.

Conditions:
NPHP1-related disorder. Also called: NPHP1-related condition; NPHP1-related disorders.
Nephronophthisis. Also called: Juvenile Nephronophthisis. Identifiers: Orphanet 655, MedGen C0687120, MONDO:0019005, HP:0000090.
Joubert syndrome with renal defect. Also called: JOUBERT SYNDROME 4. Identifiers: Orphanet 220497, MedGen C1846790, MONDO:0012308, OMIM 609583.
Nephronophthisis 1 (NPHP1). Also called: Nephronophthisis familial juvenile. Identifiers: Orphanet 655, Orphanet 93592, MedGen C1855681, MONDO:0009728, OMIM 256100.
Senior-Loken syndrome 1 (SLSN1). Also called: JUVENILE NEPHRONOPHTHISIS WITH LEBER AMAUROSIS. Identifiers: Orphanet 3156, MedGen C4551559, MONDO:0009962, OMIM 266900.

Allele frequency attached by ClinVar (database versions not stated): gnomAD 0.00001; gnomAD exomes 0.00001; TOPMed 0.00001; ExAC 0.00002.
gnomAD v4.1: 19 of 1,610,930 alleles (0.0012%); highest among the groups gnomAD compares: East Asian, 0.0022%; no homozygotes.

Submissions (3):

Labcorp Genetics (formerly Invitae), Labcorp
Classification: Uncertain significance for Nephronophthisis. Last evaluated: 2025-07-27. Review status: criteria provided, single submitter. Criteria: Invitae Variant Classification Sherloc (09022015). Collection method: clinical testing. Allele origin: germline.
Comment: This sequence change replaces glycine, which is neutral and non-polar, with serine, which is neutral and polar, at codon 535 of the NPHP1 protein (p.Gly535Ser). This variant is present in population databases (rs774251781, gnomAD 0.002%). This variant has not been reported in the literature in individuals affected with NPHP1-related conditions. ClinVar contains an entry for this variant (Variation ID: 1409419). Invitae Evidence Modeling of protein sequence and biophysical properties (such as structural, functional, and spatial information, amino acid conservation, physicochemical variation, residue mobility, and thermodynamic stability) indicates that this missense variant is not expected to disrupt NPHP1 protein function with a negative predictive value of 80%. In summary, the available evidence is currently insufficient to determine the role of this variant in disease. Therefore, it has been classified as a Variant of Uncertain Significance.

Fulgent Genetics
Classification: Uncertain significance for Nephronophthisis 1; Senior-Loken syndrome 1; Joubert syndrome with renal defect. Last evaluated: 2024-04-01. Review status: criteria provided, single submitter. Criteria: ACMG Guidelines, 2015. Collection method: clinical testing. Allele origin: germline.

PreventionGenetics, part of Exact Sciences
Classification: Uncertain significance for NPHP1-related condition. Last evaluated: 2024-09-25. Review status: no assertion criteria provided. Collection method: clinical testing. Allele origin: germline. Not counted in ClinVar's aggregate classification.
Comment: The NPHP1 c.1603G>A variant is predicted to result in the amino acid substitution p.Gly535Ser. To our knowledge, this variant has not been reported in the literature. This variant is reported in 0.0018% of alleles in individuals of European (Non-Finnish) descent in gnomAD. At this time, the clinical significance of this variant is uncertain due to the absence of conclusive functional and genetic evidence.